The following is an entry in ClinVar:

NM_014484.5(MOCS3):c.472A>G (p.Thr158Ala)

Gene: MOCS3 (molybdenum cofactor synthesis 3; plus strand). Cytogenetic location: 20q13.13.
Variant type: single nucleotide variant.
Coding change: c.472A>G on transcript NM_014484.5 (MANE Select); coding-DNA position 472, A replaced by G.
Protein change: p.Thr158Ala; replaces threonine 158 with alanine.
Molecular consequence: missense variant.
Genome position (GRCh38, 1-based): chr20:50,959,314, A>G. VCF-style: chr20-50959314-A-G. GRCh37 (hg19) VCF-style: chr20-49575851-A-G.
Other names: c.472A>G (NM_014484.3); short protein forms T158A.
Identifiers: ClinVar variation 1449149 (VCV001449149.9), dbSNP rs767877512, ClinGen allele CA9909417.

ClinVar aggregate classification (germline): Conflicting classifications of pathogenicity. Review status: criteria provided, conflicting classifications (1 of 4 stars). 2 submissions from 2 submitters: Uncertain significance (1); Likely benign (1). Last evaluated 2021-07-13.

Allele frequency attached by ClinVar (database versions not stated): TOPMed 0.00001.

Submissions (2):

Labcorp Genetics (formerly Invitae), Labcorp
Classification: Uncertain significance. Last evaluated: 2021-07-13. Review status: criteria provided, single submitter. Criteria: Invitae Variant Classification Sherloc (09022015). Collection method: clinical testing. Allele origin: germline.
Comment: This sequence change replaces threonine with alanine at codon 158 of the MOCS3 protein (p.Thr158Ala). The threonine residue is weakly conserved and there is a small physicochemical difference between threonine and alanine. This variant is present in population databases (rs767877512, ExAC 0.006%). This variant has not been reported in the literature in individuals affected with MOCS3-related conditions. Algorithms developed to predict the effect of missense changes on protein structure and function output the following: SIFT: "Tolerated"; PolyPhen-2: "Benign"; Align-GVGD: "Class C0". The alanine amino acid residue is found in multiple mammalian species, which suggests that this missense change does not adversely affect protein function. In summary, the available evidence is currently insufficient to determine the role of this variant in disease. Therefore, it has been classified as a Variant of Uncertain Significance.

Ambry Genetics
Classification: Likely benign. Last evaluated: 2021-07-06. Review status: criteria provided, single submitter. Criteria: Ambry Variant Classification Scheme 2023. Collection method: clinical testing. Allele origin: germline.